The following is an entry in ClinVar:

ClinVar aggregate classification (germline): Likely pathogenic (1 of 4 stars; one submission).

Conditions:
Autosomal recessive limb-girdle muscular dystrophy type 2J (LGMDR10). Also called: Limb-girdle muscular dystrophy, type 2J; MUSCULAR DYSTROPHY, LIMB-GIRDLE, AUTOSOMAL RECESSIVE 10. Identifiers: Orphanet 140922, MedGen C1837342, MONDO:0012127, OMIM 608807.
Dilated cardiomyopathy 1G (CMD1G). Identifiers: Orphanet 154, MedGen C1858763, MONDO:0011400, OMIM 604145.

gnomAD v4.1: 1 of 1,612,346 alleles (0.000062%); highest among the groups gnomAD compares: African/African-American, 0.0013%; no homozygotes.

Submission:

Labcorp Genetics (formerly Invitae), Labcorp
Classification: Likely pathogenic for Dilated cardiomyopathy 1G; Autosomal recessive limb-girdle muscular dystrophy type 2J. Last evaluated: 2024-10-16. Review status: criteria provided, single submitter. Criteria: Invitae Variant Classification Sherloc (09022015). Collection method: clinical testing. Allele origin: germline.
Comment: This sequence change creates a premature translational stop signal (p.Trp15678*) in the TTN gene. While this is not anticipated to result in nonsense mediated decay, it is expected to create a truncated TTN protein. This variant is not present in population databases (gnomAD no frequency). This premature translational stop signal has been observed in individual(s) with peripartum cardiomyopathy (PMID: 33874732). This variant is located in the A band of TTN (PMID: 25589632). Truncating variants in this region are significantly overrepresented in patients affected with dilated cardiomyopathy (PMID: 25589632). Truncating variants in this region have also been reported in individuals affected with autosomal recessive centronuclear myopathy (PMID: 23975875). In summary, the currently available evidence indicates that the variant is pathogenic, but additional data are needed to prove that conclusively. Therefore, this variant has been classified as Likely Pathogenic.

Literature cited by the submitters: PubMed 33874732; PubMed 25589632; PubMed 23975875.

NM_001267550.2(TTN):c.47034G>A (p.Trp15678Ter)

Genes: TTN-AS1 (TTN antisense RNA 1; plus strand), TTN (titin; minus strand). Cytogenetic location: 2q31.2.
Variant type: single nucleotide variant.
Coding change: c.47034G>A on transcript NM_001267550.2 (MANE Select); coding-DNA position 47034, G replaced by A.
Protein change: p.Trp15678Ter; replaces tryptophan 15678 with a stop codon.
Molecular consequence: nonsense.
Genome position (GRCh38, 1-based): chr2:178,618,424, C>T on the plus strand (G>A on the coding strand, the complement: TTN is on the minus strand). VCF-style: chr2-178618424-C-T. GRCh37 (hg19) VCF-style: chr2-179483151-C-T.
Other names: c.42111G>A, p.Trp14037Ter (NM_001256850.1); c.19839G>A, p.Trp6613Ter (NM_003319.4); c.39330G>A, p.Trp13110Ter (NM_133378.4); c.20214G>A, p.Trp6738Ter (NM_133432.3); c.20415G>A, p.Trp6805Ter (NM_133437.4); short protein forms W13110*, W14037*, W15678*, W6613*, W6738*, W6805*.
Identifiers: ClinVar variation 3751800 (VCV003751800.2).